The following is an entry in ClinVar:

ClinVar aggregate classification (germline): Uncertain significance (1 of 4 stars; one submission).

Submission:

Ambry Genetics
Classification: Uncertain significance. Last evaluated: 2024-07-13. Review status: criteria provided, single submitter. Criteria: Ambry Variant Classification Scheme 2023. Collection method: clinical testing. Allele origin: germline.
Comment: The p.T55R variant (also known as c.164C>G), located in coding exon 1 of the PALLD gene, results from a C to G substitution at nucleotide position 164. The threonine at codon 55 is replaced by arginine, an amino acid with similar properties. This amino acid position is conserved. In addition, this alteration is predicted to be tolerated by in silico analysis. Based on the available evidence, the clinical significance of this variant remains unclear.

NM_001166108.2(PALLD):c.164C>G (p.Thr55Arg)

Gene: PALLD (palladin, cytoskeletal associated protein; plus strand). Cytogenetic location: 4q32.3.
Variant type: single nucleotide variant.
Coding change: c.164C>G on transcript NM_001166108.2 (MANE Select); coding-DNA position 164, C replaced by G.
Protein change: p.Thr55Arg; replaces threonine 55 with arginine.
Molecular consequence: missense variant.
Genome position (GRCh38, 1-based): chr4:168,511,668, C>G. VCF-style: chr4-168511668-C-G. GRCh37 (hg19) VCF-style: chr4-169432819-C-G.
Other names: c.164C>G, p.Thr55Arg (NM_016081.4); short protein forms T55R.
Identifiers: ClinVar variation 3413575 (VCV003413575.1).